The following is an entry in ClinVar:

NM_003995.4(NPR2):c.1215del (p.Gln406fs)

Gene: NPR2 (natriuretic peptide receptor 2; plus strand). Cytogenetic location: 9p13.3.
Variant type: Deletion.
Coding change: c.1215del on transcript NM_003995.4 (MANE Select); coding-DNA position 1215, one base deleted (T; older notation c.1215delT).
Protein change: p.Gln406fs; shifts the reading frame from glutamine 406.
Molecular consequence: frameshift variant.
Genome position (GRCh38, 1-based): chr9:35,800,480, T deleted; the last of 3 consecutive T bases (chr9:35,800,478-35,800,480); deleting any one gives the same sequence. VCF-style (leftmost placement, unchanged base first): chr9-35800477-CT-C. GRCh37 (hg19) VCF-style: chr9-35800474-CT-C.
Other names: c.1215delT (NM_003995.4); short protein forms Q406fs.
Identifiers: ClinVar variation 873150 (VCV000873150.2), dbSNP rs1828107536, ClinGen allele CA1139660958.

ClinVar aggregate classification (germline): Pathogenic (1 of 4 stars; one submission).

Conditions:
Acromesomelic dysplasia 1, Maroteaux type (AMD1). Also called: ACROMESOMELIC DYSPLASIA 1; ST. HELENA DYSPLASIA. Identifiers: Orphanet 40, MedGen C1864356, MONDO:0011275, OMIM 602875.

Submission:

Hacettepe Genetic Diseases Diagnosis Center, Hacettepe University Faculty of Medicine
Classification: Pathogenic for Acromesomelic dysplasia 1, Maroteaux type. Last evaluated: 2020-05-02. Review status: criteria provided, single submitter. Criteria: ACMG Guidelines, 2015. Collection method: clinical testing. Allele origin: germline. Inheritance: Autosomal recessive inheritance. Affected: yes. Observed: 2 homozygotes. Clinical features observed: Mesomelic short stature (HP:0008845), Disproportionate short-limb short stature (HP:0008873).
Comment: Two unrelated patients with typical findings of Acromesomelic dysplasia Maroteaux type were determined to have a homozygous frameshift variant (c.1215delT, p.Gln406SerfsTer23) in NPR2, resulting in a premature stop codon of the protein sequence. The consanguineous parents were heterozygous carriers of this variant. This variant is not present in gnomAD and ExAC databases. This variant was classified as pathogenic based on ACMG variant classification guidelines.